The following is an entry in ClinVar:

ClinVar aggregate classification (germline): Uncertain significance (1 of 4 stars; one submission).

gnomAD v4.1: 1 of 1,614,046 alleles (0.000062%); no homozygotes.

Submission:

Labcorp Genetics (formerly Invitae), Labcorp
Classification: Uncertain significance. Last evaluated: 2022-09-13. Review status: criteria provided, single submitter. Criteria: Invitae Variant Classification Sherloc (09022015). Collection method: clinical testing. Allele origin: germline.
Comment: This sequence change replaces alanine, which is neutral and non-polar, with glycine, which is neutral and non-polar, at codon 388 of the SLCO5A1 protein (p.Ala388Gly). This variant is not present in population databases (gnomAD no frequency). This variant has not been reported in the literature in individuals affected with SLCO5A1-related conditions. Algorithms developed to predict the effect of missense changes on protein structure and function (SIFT, PolyPhen-2, Align-GVGD) all suggest that this variant is likely to be tolerated. In summary, the available evidence is currently insufficient to determine the role of this variant in disease. Therefore, it has been classified as a Variant of Uncertain Significance.

NM_030958.3(SLCO5A1):c.1163C>G (p.Ala388Gly)

Gene: SLCO5A1 (solute carrier organic anion transporter family member 5A1; minus strand). Cytogenetic location: 8q13.3.
Variant type: single nucleotide variant.
Coding change: c.1163C>G on transcript NM_030958.3 (MANE Select); coding-DNA position 1163, C replaced by G.
Protein change: p.Ala388Gly; replaces alanine 388 with glycine.
Molecular consequence: missense variant.
Genome position (GRCh38, 1-based): chr8:69,755,519, G>C on the plus strand (C>G on the coding strand, the complement: SLCO5A1 is on the minus strand). VCF-style: chr8-69755519-G-C. GRCh37 (hg19) VCF-style: chr8-70667754-G-C.
Other names: c.1163C>G, p.Ala388Gly (NM_001146008.2, NM_001146009.1); short protein forms A388G.
Identifiers: ClinVar variation 1971453 (VCV001971453.5), dbSNP rs1244583602, ClinGen allele CA371235554.